The following is an entry in ClinVar:

NM_017668.3(NDE1):c.723G>T (p.Gly241=)

Gene: NDE1 (nudE neurodevelopment protein 1; plus strand). Cytogenetic location: 16p13.11.
Variant type: single nucleotide variant.
Coding change: c.723G>T on transcript NM_017668.3 (MANE Select); coding-DNA position 723, G replaced by T.
Protein change: p.Gly241=; no amino-acid change (glycine 241 retained).
Molecular consequence: synonymous variant.
Genome position (GRCh38, 1-based): chr16:15,694,184, G>T. VCF-style: chr16-15694184-G-T. GRCh37 (hg19) VCF-style: chr16-15788041-G-T.
Other names: c.723G>T, p.Gly241= (NM_001143979.2).
Identifiers: ClinVar variation 211579 (VCV000211579.38), dbSNP rs570994490, ClinGen allele CA208972.

ClinVar aggregate classification (germline): Conflicting classifications of pathogenicity. Review status: criteria provided, conflicting classifications (1 of 4 stars). 5 submissions from 5 submitters: Uncertain significance (1); Benign (2); Likely benign (1). 1 of the submissions does not count toward it. Last evaluated 2026-01-08.

Conditions:
NDE1-related disorder. Also called: NDE1-related condition; NDE1-Related Disorders.

Allele frequency attached by ClinVar (database versions not stated): TOPMed 0.00012; gnomAD exomes 0.00133; ExAC 0.00142; 1000 Genomes Project 30x 0.00187; 1000 Genomes Project 0.00200.
gnomAD v4.1: 1,096 of 1,612,996 alleles (0.068%); highest among the groups gnomAD compares: South Asian, 1.1%; 20 homozygotes.

Submissions (5):

Labcorp Genetics (formerly Invitae), Labcorp
Classification: Benign. Last evaluated: 2026-01-08. Review status: criteria provided, single submitter. Criteria: Invitae Variant Classification Sherloc (09022015). Collection method: clinical testing. Allele origin: germline.

CeGaT Center for Human Genetics Tuebingen
Classification: Benign. Last evaluated: 2025-02-01. Review status: criteria provided, single submitter. Criteria: CeGaT Center For Human Genetics Tuebingen Variant Classification Criteria Version 2. Collection method: clinical testing. Allele origin: germline. Affected: yes. Observed: 2 variant alleles.
Comment: NDE1: BP4, BP7, BS1, BS2

GeneDx
Classification: Likely benign. Last evaluated: 2020-03-13. Review status: criteria provided, single submitter. Criteria: GeneDx Variant Classification Process June 2021. Collection method: clinical testing. Allele origin: germline. Affected: yes.

Genetic Services Laboratory, University of Chicago
Classification: Uncertain significance. Last evaluated: 2014-11-18. Review status: criteria provided, single submitter. Criteria: ACMG Guidelines, 2015. Collection method: clinical testing. Allele origin: germline.

PreventionGenetics, part of Exact Sciences
Classification: Benign for NDE1-related condition. Last evaluated: 2020-05-13. Review status: no assertion criteria provided. Collection method: clinical testing. Allele origin: germline. Not counted in ClinVar's aggregate classification.
Comment: This variant is classified as benign based on ACMG/AMP sequence variant interpretation guidelines (Richards et al. 2015 PMID: 25741868, with internal and published modifications).